The following is an entry in ClinVar:

NM_001012759.3(CTU2):c.764G>T (p.Arg255Leu)

Gene: CTU2 (cytosolic thiouridylase subunit 2; plus strand). Cytogenetic location: 16q24.3.
Variant type: single nucleotide variant.
Coding change: c.764G>T on transcript NM_001012759.3 (MANE Select); coding-DNA position 764, G replaced by T.
Protein change: p.Arg255Leu; replaces arginine 255 with leucine.
Molecular consequence: missense variant.
Genome position (GRCh38, 1-based): chr16:88,713,338, G>T. VCF-style: chr16-88713338-G-T. GRCh37 (hg19) VCF-style: chr16-88779746-G-T.
Other names: c.764G>T, p.Arg255Leu (NM_001012762.3); c.977G>T, p.Arg326Leu (NM_001318507.2); c.503G>T, p.Arg168Leu (NM_001318513.2); c.764G>T (NM_001012759.2); short protein forms R168L, R255L, R326L.
Identifiers: ClinVar variation 2140570 (VCV002140570.5), dbSNP rs143576129, ClinGen allele CA8230538.

ClinVar aggregate classification (germline): Likely benign. Review status: criteria provided, multiple submitters, no conflicts (2 of 4 stars). 2 submissions from 2 submitters: Likely benign (2). Last evaluated 2025-08-04.

Conditions:
CTU2-related disorder. Also called: CTU2-related condition.

Allele frequency attached by ClinVar (database versions not stated): 1000 Genomes Project 0.00100; 1000 Genomes Project 30x 0.00125; ESP Exome Variant Server 0.00077.
gnomAD v4.1: 152 of 1,592,954 alleles (0.0095%); highest among the groups gnomAD compares: African/African-American, 0.21%; 4 homozygotes.

Submissions (2):

Labcorp Genetics (formerly Invitae), Labcorp
Classification: Likely benign. Last evaluated: 2025-08-04. Review status: criteria provided, single submitter. Criteria: Invitae Variant Classification Sherloc (09022015). Collection method: clinical testing. Allele origin: germline.

PreventionGenetics, part of Exact Sciences
Classification: Likely benign for CTU2-related condition. Last evaluated: 2025-03-01. Review status: criteria provided, single submitter. Criteria: ACMG Guidelines, 2015. Collection method: clinical testing. Allele origin: germline.
Comment: This variant is classified as likely benign based on ACMG/AMP sequence variant interpretation guidelines (Richards et al. 2015 PMID: 25741868, with internal and published modifications).